The following is an entry in ClinVar:

NM_003335.3(UBA7):c.264C>T (p.Ala88=)

Gene: UBA7 (ubiquitin like modifier activating enzyme 7; minus strand). Cytogenetic location: 3p21.31.
Variant type: single nucleotide variant.
Coding change: c.264C>T on transcript NM_003335.3 (MANE Select); coding-DNA position 264, C replaced by T.
Protein change: p.Ala88=; no amino-acid change (alanine 88 retained).
Molecular consequence: synonymous variant.
Genome position (GRCh38, 1-based): chr3:49,813,345, G>A on the plus strand (C>T on the coding strand, the complement: UBA7 is on the minus strand). VCF-style: chr3-49813345-G-A. GRCh37 (hg19) VCF-style: chr3-49850778-G-A.
Identifiers: ClinVar variation 3057949 (VCV003057949.2), dbSNP rs144077688, ClinGen allele CA2407395.

ClinVar aggregate classification (germline): Benign (0 of 4 stars; one submission).

Conditions:
UBA7-related disorder. Also called: UBA7-related condition.

Allele frequency attached by ClinVar (database versions not stated): gnomAD exomes 0.00044; gnomAD 0.00056; ESP Exome Variant Server 0.00062; TOPMed 0.00062; ExAC 0.00084.
gnomAD v4.1: 797 of 1,614,024 alleles (0.049%); highest among the groups gnomAD compares: Non-Finnish European, 0.0071%; 7 homozygotes.

Submission:

PreventionGenetics, part of Exact Sciences
Classification: Benign for UBA7-related condition. Last evaluated: 2019-04-02. Review status: no assertion criteria provided. Collection method: clinical testing. Allele origin: germline.
Comment: This variant is classified as benign based on ACMG/AMP sequence variant interpretation guidelines (Richards et al. 2015 PMID: 25741868, with internal and published modifications).